The following is an entry in ClinVar:

ClinVar aggregate classification (germline): Uncertain significance. Review status: criteria provided, multiple submitters, no conflicts (2 of 4 stars). 2 submissions from 2 submitters: Uncertain significance (2). Last evaluated 2025-04-21.

Conditions:
Age related macular degeneration 9. Identifiers: MedGen C1969651, MONDO:0012659, OMIM 611378.
Complement component 3 deficiency. Identifiers: Orphanet 280133, MedGen C3151071, MONDO:0013417, OMIM 613779.
Atypical hemolytic-uremic syndrome with C3 anomaly. Also called: AHUS, SUSCEPTIBILITY TO, 5. Identifiers: Orphanet 2134, MedGen C2752037, MONDO:0013043, OMIM 612925.

Allele frequency attached by ClinVar (database versions not stated): ExAC 0.00001; gnomAD exomes 0.00001; TOPMed 0.00001.
gnomAD v4.1: 4 of 1,614,066 alleles (0.00025%); highest among the groups gnomAD compares: South Asian, 0.0022%; no homozygotes.

Submissions (2):

Labcorp Genetics (formerly Invitae), Labcorp
Classification: Uncertain significance. Last evaluated: 2025-04-21. Review status: criteria provided, single submitter. Criteria: Invitae Variant Classification Sherloc (09022015). Collection method: clinical testing. Allele origin: germline.
Comment: This sequence change replaces arginine, which is basic and polar, with glutamine, which is neutral and polar, at codon 848 of the C3 protein (p.Arg848Gln). This variant is present in population databases (rs756642830, gnomAD 0.003%). This variant has not been reported in the literature in individuals affected with C3-related conditions. ClinVar contains an entry for this variant (Variation ID: 1386229). Invitae Evidence Modeling of protein sequence and biophysical properties (such as structural, functional, and spatial information, amino acid conservation, physicochemical variation, residue mobility, and thermodynamic stability) indicates that this missense variant is not expected to disrupt C3 protein function with a negative predictive value of 80%. In summary, the available evidence is currently insufficient to determine the role of this variant in disease. Therefore, it has been classified as a Variant of Uncertain Significance.

Fulgent Genetics
Classification: Uncertain significance for Age related macular degeneration 9; Atypical hemolytic-uremic syndrome with C3 anomaly; Complement component 3 deficiency. Last evaluated: 2024-05-25. Review status: criteria provided, single submitter. Criteria: ACMG Guidelines, 2015. Collection method: clinical testing. Allele origin: germline.

NM_000064.4(C3):c.2543G>A (p.Arg848Gln)

Gene: C3 (complement C3; minus strand). Cytogenetic location: 19p13.3.
Variant type: single nucleotide variant.
Coding change: c.2543G>A on transcript NM_000064.4 (MANE Select); coding-DNA position 2543, G replaced by A.
Protein change: p.Arg848Gln; replaces arginine 848 with glutamine.
Molecular consequence: missense variant.
Genome position (GRCh38, 1-based): chr19:6,697,692, C>T on the plus strand (G>A on the coding strand, the complement: C3 is on the minus strand). VCF-style: chr19-6697692-C-T. GRCh37 (hg19) VCF-style: chr19-6697703-C-T.
Other names: short protein forms R848Q.
Identifiers: ClinVar variation 1386229 (VCV001386229.7), dbSNP rs756642830, ClinGen allele CA9129044.